The following is an entry in ClinVar:

ClinVar aggregate classification (germline): Uncertain significance. Review status: criteria provided, multiple submitters, no conflicts (2 of 4 stars). 5 submissions from 5 submitters: Uncertain significance (5). Last evaluated 2023-04-11.

Conditions:
Inborn genetic diseases. Identifiers: MedGen C0950123, MeSH D030342.
Developmental and epileptic encephalopathy, 18 (DEE18). Also called: Early infantile epileptic encephalopathy 18. Identifiers: Orphanet 369894, MedGen C3809624, MONDO:0014201, OMIM 615476.

Allele frequency attached by ClinVar (database versions not stated): gnomAD 0.00001; gnomAD exomes 0.00001 and 0.00002; TOPMed 0.00001; ExAC 0.00002.
gnomAD v4.1: 7 of 1,598,354 alleles (0.00044%); highest among the groups gnomAD compares: East Asian, 0.011%; no homozygotes.

Submissions (5):

Genome-Nilou Lab
Classification: Uncertain significance for Developmental and epileptic encephalopathy, 18. Last evaluated: 2023-04-11. Review status: criteria provided, single submitter. Criteria: ACMG Guidelines, 2015. Collection method: clinical testing. Allele origin: germline. Affected: no.

Labcorp Genetics (formerly Invitae), Labcorp
Classification: Uncertain significance. Last evaluated: 2022-02-04. Review status: criteria provided, single submitter. Criteria: Invitae Variant Classification Sherloc (09022015). Collection method: clinical testing. Allele origin: germline.
Comment: In summary, the available evidence is currently insufficient to determine the role of this variant in disease. Therefore, it has been classified as a Variant of Uncertain Significance. Algorithms developed to predict the effect of missense changes on protein structure and function (SIFT, PolyPhen-2, Align-GVGD) all suggest that this variant is likely to be tolerated. ClinVar contains an entry for this variant (Variation ID: 1305473). This variant has not been reported in the literature in individuals affected with SZT2-related conditions. This variant is present in population databases (rs766418139, gnomAD 0.03%). This sequence change replaces leucine, which is neutral and non-polar, with arginine, which is basic and polar, at codon 336 of the SZT2 protein (p.Leu336Arg).

Ambry Genetics
Classification: Uncertain significance for Inborn genetic diseases. Last evaluated: 2021-06-18. Review status: criteria provided, single submitter. Criteria: Ambry Variant Classification Scheme 2023. Collection method: clinical testing. Allele origin: germline.

GeneDx
Classification: Uncertain significance. Last evaluated: 2019-04-30. Review status: criteria provided, single submitter. Criteria: GeneDx Variant Classification Process June 2021. Collection method: clinical testing. Allele origin: germline. Affected: yes.
Comment: In silico analysis, which includes protein predictors and evolutionary conservation, supports that this variant does not alter protein structure/function; Has not been previously published as pathogenic or benign to our knowledge

Breakthrough Genomics
Classification: Uncertain significance. Review status: criteria provided, single submitter. Criteria: ACMG Guidelines, 2015. Collection method: not provided. Allele origin: germline. Inheritance: Autosomal recessive inheritance. Affected: yes.

NM_001365999.1(SZT2):c.1007T>G (p.Leu336Arg)

Gene: SZT2 (SZT2 subunit of KICSTOR complex; plus strand). Cytogenetic location: 1p34.2.
Variant type: single nucleotide variant.
Coding change: c.1007T>G on transcript NM_001365999.1 (MANE Select); coding-DNA position 1007, T replaced by G.
Protein change: p.Leu336Arg; replaces leucine 336 with arginine.
Molecular consequence: missense variant.
Genome position (GRCh38, 1-based): chr1:43,419,861, T>G. VCF-style: chr1-43419861-T-G. GRCh37 (hg19) VCF-style: chr1-43885532-T-G.
Other names: c.1007T>G, p.Leu336Arg (NM_015284.4); short protein forms L336R.
Identifiers: ClinVar variation 1305473 (VCV001305473.10), dbSNP rs766418139, ClinGen allele CA808312.